The following is an entry in ClinVar:

NM_001042492.3(NF1):c.6785G>A (p.Gly2262Glu)

Gene: NF1 (neurofibromin 1; plus strand). Cytogenetic location: 17q11.2.
Variant type: single nucleotide variant.
Coding change: c.6785G>A on transcript NM_001042492.3 (MANE Select); coding-DNA position 6785, G replaced by A.
Protein change: p.Gly2262Glu; replaces glycine 2262 with glutamic acid.
Molecular consequence: missense variant.
Genome position (GRCh38, 1-based): chr17:31,338,105, G>A. VCF-style: chr17-31338105-G-A. GRCh37 (hg19) VCF-style: chr17-29665123-G-A.
Other names: c.6722G>A, p.Gly2241Glu (NM_000267.4); short protein forms G2241E, G2262E.
Identifiers: ClinVar variation 1045685 (VCV001045685.9), dbSNP rs997781719, ClinGen allele CA289387766.

ClinVar aggregate classification (germline): Uncertain significance. Review status: criteria provided, multiple submitters, no conflicts (2 of 4 stars). 3 submissions from 3 submitters: Uncertain significance (3). Last evaluated 2025-12-04.

Conditions:
Neurofibromatosis, type 1 (NF1). Also called: VON RECKLINGHAUSEN DISEASE; NEUROFIBROMATOSIS, TYPE I, SOMATIC; Peripheral type neurofibromatosis; Neurofibromatosis, type I. Identifiers: Orphanet 636, MedGen C0027831, MONDO:0018975, OMIM 162200. Disease mechanism: loss of function.
Hereditary cancer-predisposing syndrome. Also called: Hereditary neoplastic syndrome; Neoplastic Syndromes, Hereditary; Tumor predisposition; Hereditary Cancer Syndrome. Identifiers: Orphanet 140162, MedGen C0027672, MeSH D009386, MONDO:0015356.
Cardiovascular phenotype. Identifiers: MedGen CN230736.

Allele frequency attached by ClinVar (database versions not stated): TOPMed below 0.00001; gnomAD 0.00001.
gnomAD v4.1: 1 of 1,613,610 alleles (0.000062%); highest among the groups gnomAD compares: African/African-American, 0.0013%; no homozygotes.

Submissions (3):

Labcorp Genetics (formerly Invitae), Labcorp
Classification: Uncertain significance for Neurofibromatosis, type 1. Last evaluated: 2025-12-04. Review status: criteria provided, single submitter. Criteria: Invitae Variant Classification Sherloc (09022015). Collection method: clinical testing. Allele origin: germline.
Comment: This sequence change replaces glycine, which is neutral and non-polar, with glutamic acid, which is acidic and polar, at codon 2241 of the NF1 protein (p.Gly2241Glu). This variant is not present in population databases (gnomAD no frequency). This variant has not been reported in the literature in individuals affected with NF1-related conditions. ClinVar contains an entry for this variant (Variation ID: 1045685). Invitae Evidence Modeling of protein sequence and biophysical properties (such as structural, functional, and spatial information, amino acid conservation, physicochemical variation, residue mobility, and thermodynamic stability) indicates that this missense variant is not expected to disrupt NF1 protein function with a negative predictive value of 95%. In summary, the available evidence is currently insufficient to determine the role of this variant in disease. Therefore, it has been classified as a Variant of Uncertain Significance.

GeneDx
Classification: Uncertain significance. Last evaluated: 2025-07-24. Review status: criteria provided, single submitter. Criteria: GeneDx Variant Classification Process June 2021. Collection method: clinical testing. Allele origin: germline. Affected: yes.
Comment: Not observed at significant frequency in large population cohorts (gnomAD); In silico analysis suggests that this missense variant does not alter protein structure/function; Has not been previously published as pathogenic or benign to our knowledge

Ambry Genetics
Classification: Uncertain significance for Cardiovascular phenotype; Hereditary cancer-predisposing syndrome. Last evaluated: 2024-12-17. Review status: criteria provided, single submitter. Criteria: Ambry Variant Classification Scheme 2023. Collection method: clinical testing. Allele origin: germline.
Comment: The p.G2241E variant (also known as c.6722G>A), located in coding exon 44 of the NF1 gene, results from a G to A substitution at nucleotide position 6722. The glycine at codon 2241 is replaced by glutamic acid, an amino acid with similar properties. This amino acid position is highly conserved in available vertebrate species. In addition, the in silico prediction for this alteration is inconclusive. Based on the available evidence, the clinical significance of this variant remains unclear.